The following is an entry in ClinVar:

ClinVar aggregate classification (germline): Uncertain significance. Review status: criteria provided, multiple submitters, no conflicts (2 of 4 stars). 3 submissions from 3 submitters: Uncertain significance (3). Last evaluated 2024-05-24.

Conditions:
Rubinstein-Taybi syndrome due to CREBBP mutations (RSTS1). Also called: RUBINSTEIN SYNDROME; RUBINSTEIN-TAYBI SYNDROME 1, INCOMPLETE; Rubinstein-Taybi syndrome 1; CREBBP-Related Rubinstein-Taybi Syndrome; BROAD THUMB-HALLUX SYNDROME; BROAD THUMBS AND GREAT TOES, CHARACTERISTIC FACIES, AND IMPAIRED INTELLECTUAL DEVELOPMENT. Identifiers: Orphanet 353277, Orphanet 783, MedGen C4551859, MONDO:0008393, OMIM 180849.
Menke-Hennekam syndrome 1 (MKHK1). Identifiers: MedGen C5193034, MONDO:0020763, OMIM 618332.
Inborn genetic diseases. Identifiers: MedGen C0950123, MeSH D030342.
Rubinstein-Taybi syndrome (RSTS). Identifiers: Orphanet 783, MedGen C0035934, MONDO:0019188.

gnomAD v4.1: 17 of 1,614,044 alleles (0.0011%); highest among the groups gnomAD compares: Non-Finnish European, 0.0014%; no homozygotes.

Submissions (3):

Fulgent Genetics
Classification: Uncertain significance for Rubinstein-Taybi syndrome due to CREBBP mutations; Menke-Hennekam syndrome 1. Last evaluated: 2024-05-24. Review status: criteria provided, single submitter. Criteria: ACMG Guidelines, 2015. Collection method: clinical testing. Allele origin: germline.

Labcorp Genetics (formerly Invitae), Labcorp
Classification: Uncertain significance for Rubinstein-Taybi syndrome. Last evaluated: 2022-11-26. Review status: criteria provided, single submitter. Criteria: Invitae Variant Classification Sherloc (09022015). Collection method: clinical testing. Allele origin: germline.
Comment: This variant has not been reported in the literature in individuals affected with CREBBP-related conditions. This sequence change replaces proline, which is neutral and non-polar, with arginine, which is basic and polar, at codon 107 of the CREBBP protein (p.Pro107Arg). This variant is not present in population databases (gnomAD no frequency). ClinVar contains an entry for this variant (Variation ID: 588182). Advanced modeling of protein sequence and biophysical properties (such as structural, functional, and spatial information, amino acid conservation, physicochemical variation, residue mobility, and thermodynamic stability) has been performed at Invitae for this missense variant, however the output from this modeling did not meet the statistical confidence thresholds required to predict the impact of this variant on CREBBP protein function. In summary, the available evidence is currently insufficient to determine the role of this variant in disease. Therefore, it has been classified as a Variant of Uncertain Significance.

Ambry Genetics
Classification: Uncertain significance for Inborn genetic diseases. Last evaluated: 2016-08-19. Review status: criteria provided, single submitter. Criteria: Ambry Variant Classification Scheme 2023. Collection method: clinical testing. Allele origin: germline.
Comment: The p.P107R variant (also known as c.320C>G), located in coding exon 2 of the CREBBP gene, results from a C to G substitution at nucleotide position 320. The proline at codon 107 is replaced by arginine, an amino acid with dissimilar properties. This variant was not reported in population based cohorts in the following databases: Database of Single Nucleotide Polymorphisms (dbSNP), NHLBI Exome Sequencing Project (ESP), and 1000 Genomes Project. In the ESP, this variant was not observed in 6497 samples (12994 alleles) with coverage at this position. This amino acid position is highly conserved in available vertebrate species. In addition, this alteration is predicted to be deleterious by in silico analysis. Since supporting evidence is limited at this time, the clinical significance of this variant remains unclear.

NM_004380.3(CREBBP):c.320C>G (p.Pro107Arg)

Gene: CREBBP (CREB binding lysine acetyltransferase; minus strand). Cytogenetic location: 16p13.3.
Variant type: single nucleotide variant.
Coding change: c.320C>G on transcript NM_004380.3 (MANE Select); coding-DNA position 320, C replaced by G.
Protein change: p.Pro107Arg; replaces proline 107 with arginine.
Molecular consequence: missense variant.
Genome position (GRCh38, 1-based): chr16:3,850,775, G>C on the plus strand (C>G on the coding strand, the complement: CREBBP is on the minus strand). VCF-style: chr16-3850775-G-C. GRCh37 (hg19) VCF-style: chr16-3900776-G-C.
Other names: c.320C>G, p.Pro107Arg (NM_001079846.1); short protein forms P107R.
Identifiers: ClinVar variation 588182 (VCV000588182.9), dbSNP rs766844540, ClinGen allele CA394561577.
Genomic context (GRCh38, chr16:3,850,775, plus strand): 5'-TCTCCCTGGCTCAGAGGGCTCTTGCCCATGGCACTGAGGCTGGCCATGTTAGCACTGTTC[G>C]GCTGCCCTTGAGCCTGGCCACCCAGGCCCTGCTGCACGGGGCTGCTGGCGCTCACATTTC-3'
Protein context (NP_004371.2, residues 97-117): QGLGGQAQGQ[Pro107Arg]NSANMASLSA